The following is an entry in ClinVar:

NM_001378454.1(ALMS1):c.6628A>G (p.Asn2210Asp)

Gene: ALMS1 (ALMS1 centrosome and basal body associated protein; plus strand). Cytogenetic location: 2p13.1.
Variant type: single nucleotide variant.
Coding change: c.6628A>G on transcript NM_001378454.1 (MANE Select); coding-DNA position 6628, A replaced by G.
Protein change: p.Asn2210Asp; replaces asparagine 2210 with aspartic acid.
Molecular consequence: missense variant.
Genome position (GRCh38, 1-based): chr2:73,453,155, A>G. VCF-style: chr2-73453155-A-G. GRCh37 (hg19) VCF-style: chr2-73680282-A-G.
Other names: c.6631A>G, p.Asn2211Asp (NM_015120.4); short protein forms N2211D, N2210D.
Identifiers: ClinVar variation 653286 (VCV000653286.4), dbSNP rs780909821, ClinGen allele CA1714096.
Genomic context (GRCh38, chr2:73,453,155, plus strand): 5'-TCACATGGTGAGAATCACAAGCTTGTTTCAGAACATGTCCAAAGGCTAATAGATAATTTG[A>G]ATTCTTCTGACTCCAGTGTTAGCTCAAATAATGTGCTTTTAAATTCTCAGGCTGATGACA-3'
Protein context (NP_001365383.1, residues 2200-2220): EHVQRLIDNL[Asn2210Asp]SSDSSVSSNN

ClinVar aggregate classification (germline): Uncertain significance (1 of 4 stars; one submission).

Conditions:
Alstrom syndrome (ALMS). Identifiers: Orphanet 64, MedGen C0268425, MONDO:0008763, OMIM 203800.

Allele frequency attached by ClinVar (database versions not stated): gnomAD exomes 0.00001 and 0.00004; ExAC 0.00002.
gnomAD v4.1: 17 of 1,614,072 alleles (0.0011%); highest among the groups gnomAD compares: South Asian, 0.019%; no homozygotes.

Submission:

Labcorp Genetics (formerly Invitae), Labcorp
Classification: Uncertain significance for Alstrom syndrome. Last evaluated: 2021-10-31. Review status: criteria provided, single submitter. Criteria: Invitae Variant Classification Sherloc (09022015). Collection method: clinical testing. Allele origin: germline.
Comment: This sequence change replaces asparagine, which is neutral and polar, with aspartic acid, which is acidic and polar, at codon 2211 of the ALMS1 protein (p.Asn2211Asp). This variant is present in population databases (rs780909821, gnomAD 0.03%). This variant has not been reported in the literature in individuals affected with ALMS1-related conditions. ClinVar contains an entry for this variant (Variation ID: 653286). Algorithms developed to predict the effect of missense changes on protein structure and function output the following: SIFT: "Not Available"; PolyPhen-2: "Not Available"; Align-GVGD: "Not Available". The aspartic acid amino acid residue is found in multiple mammalian species, which suggests that this missense change does not adversely affect protein function. In summary, the available evidence is currently insufficient to determine the role of this variant in disease. Therefore, it has been classified as a Variant of Uncertain Significance.